The following is an entry in ClinVar:

ClinVar aggregate classification (germline): Uncertain significance (1 of 4 stars; one submission).

Conditions:
Intellectual developmental disorder, autosomal dominant 46. Also called: Intellectual disability, autosomal dominant 46; MENTAL RETARDATION, AUTOSOMAL DOMINANT 46. Identifiers: MedGen C4539851, MONDO:0030911, OMIM 617601.

Submission:

Institute of Human Genetics, University of Goettingen
Classification: Uncertain significance for Intellectual developmental disorder, autosomal dominant 46. Last evaluated: 2023-12-07. Review status: criteria provided, single submitter. Criteria: ACMG Guidelines, 2015. Collection method: clinical testing. Allele origin: unknown. Inheritance: Autosomal dominant inheritance. Observed: 1 heterozygote.
Comment: The variant c.1767-2A>G (p.?) in intron 13 of the KCNQ5 gene is not found in the gnomAD database it affects a highly conserved nucleotide and is located close to an acceptor splice site, which may result in a potential splicing alteration / defect. In silico programs predict a significant impact on KCNQ5-RNA splicing (SpliceAI), which has not been validated by functional studies yet. ACMG criteria used for classification: PVS1_mod, PM2_supp.

NM_019842.4(KCNQ5):c.1710-2A>G

Gene: KCNQ5 (potassium voltage-gated channel subfamily Q member 5; plus strand). Cytogenetic location: 6q13.
Variant type: single nucleotide variant.
Coding change: c.1710-2A>G on transcript NM_019842.4 (MANE Select); the canonical splice acceptor site of the intron before coding-DNA position 1710, A replaced by G.
Molecular consequence: splice acceptor variant.
Genome position (GRCh38, 1-based): chr6:73,192,563, A>G. VCF-style: chr6-73192563-A-G. GRCh37 (hg19) VCF-style: chr6-73902286-A-G.
Other names: c.1767-2A>G (NM_001160133.2); c.1380-2A>G (NM_001160134.2); c.1740-2A>G (NM_001160132.2); c.1683-2A>G (NM_001160130.2).
Identifiers: ClinVar variation 2664432 (VCV002664432.2), dbSNP rs2533924574, ClinGen allele CA364693472.